The following is an entry in ClinVar:

ClinVar aggregate classification (germline): Benign. Review status: criteria provided, multiple submitters, no conflicts (2 of 4 stars). 3 submissions from 3 submitters: Benign (3). Last evaluated 2026-01-31.

Conditions:
Junctional epidermolysis bullosa. Identifiers: Orphanet 305, MedGen C0079301, MONDO:0017612.

Allele frequency attached by ClinVar (database versions not stated): gnomAD exomes 0.00063 and 0.00161; ExAC 0.00198; 1000 Genomes Project 0.00659; ESP Exome Variant Server 0.00738; TOPMed 0.00742; 1000 Genomes Project 30x 0.00765.
gnomAD v4.1: 1,938 of 1,613,816 alleles (0.12%); highest among the groups gnomAD compares: African/African-American, 2.3%; 22 homozygotes.

Submissions (3):

Labcorp Genetics (formerly Invitae), Labcorp
Classification: Benign. Last evaluated: 2026-01-31. Review status: criteria provided, single submitter. Criteria: Invitae Variant Classification Sherloc (09022015). Collection method: clinical testing. Allele origin: germline.

Illumina Laboratory Services, Illumina
Classification: Benign for Junctional epidermolysis bullosa. Last evaluated: 2018-01-13. Review status: criteria provided, single submitter. Criteria: ICSL Variant Classification Criteria 13 December 2019. Collection method: clinical testing. Allele origin: germline.
Comment: This variant was observed in the ICSL laboratory as part of a predisposition screen in an ostensibly healthy population. It had not been previously curated by ICSL or reported in the Human Gene Mutation Database (HGMD: prior to June 1st, 2018), and was therefore a candidate for classification through an automated scoring system. Utilizing variant allele frequency, disease prevalence and penetrance estimates, and inheritance mode, an automated score was calculated to assess if this variant is too frequent to cause the disease. Based on the score and internal cut-off values, a variant classified as benign is not then subjected to further curation. The score for this variant resulted in a classification of benign for this disease.

Breakthrough Genomics
Classification: Benign. Review status: criteria provided, single submitter. Criteria: ACMG Guidelines, 2015. Collection method: not provided. Allele origin: germline. Inheritance: Autosomal recessive inheritance. Affected: yes.

NM_005562.3(LAMC2):c.3000T>A (p.Ala1000=)

Gene: LAMC2 (laminin subunit gamma 2; plus strand). Cytogenetic location: 1q25.3.
Variant type: single nucleotide variant.
Coding change: c.3000T>A on transcript NM_005562.3 (MANE Select); coding-DNA position 3000, T replaced by A.
Protein change: p.Ala1000=; no amino-acid change (alanine 1000 retained).
Molecular consequence: synonymous variant.
Genome position (GRCh38, 1-based): chr1:183,239,494, T>A. VCF-style: chr1-183239494-T-A. GRCh37 (hg19) VCF-style: chr1-183208629-T-A.
Other names: c.3000T>A, p.Ala1000= (NM_018891.3).
Identifiers: ClinVar variation 294014 (VCV000294014.16), dbSNP rs78793848, ClinGen allele CA1283121.